The following is an entry in ClinVar:

ClinVar aggregate classification (germline): Uncertain significance. Review status: criteria provided, multiple submitters, no conflicts (2 of 4 stars). 3 submissions from 3 submitters: Uncertain significance (3). Last evaluated 2026-02-01.

Conditions:
Congenital contractural arachnodactyly (CCA). Also called: BEALS SYNDROME; Beals-Hecht syndrome; Arthrogryposis, distal, type 9. Identifiers: Orphanet 115, MedGen C0220668, MONDO:0007363, OMIM 121050.

Submissions (3):

Labcorp Genetics (formerly Invitae), Labcorp
Classification: Uncertain significance for Congenital contractural arachnodactyly. Last evaluated: 2026-02-01. Review status: criteria provided, single submitter. Criteria: Invitae Variant Classification Sherloc (09022015). Collection method: clinical testing. Allele origin: germline.
Comment: This sequence change replaces proline, which is neutral and non-polar, with alanine, which is neutral and non-polar, at codon 1622 of the FBN2 protein (p.Pro1622Ala). This variant is not present in population databases (gnomAD no frequency). This variant has not been reported in the literature in individuals affected with FBN2-related conditions. ClinVar contains an entry for this variant (Variation ID: 907004). Invitae Evidence Modeling of protein sequence and biophysical properties (such as structural, functional, and spatial information, amino acid conservation, physicochemical variation, residue mobility, and thermodynamic stability) has been performed for this missense variant. However, the output from this modeling did not meet the statistical confidence thresholds required to predict the impact of this variant on FBN2 protein function. In summary, the available evidence is currently insufficient to determine the role of this variant in disease. Therefore, it has been classified as a Variant of Uncertain Significance.

Dasa
Classification: Uncertain significance. Last evaluated: 2025-01-14. Review status: criteria provided, single submitter. Criteria: DASA Assertion Criteria. Collection method: clinical testing. Allele origin: germline.
Comment: NM_001999.4(FBN2):c.4864C>G (p.Pro1622Ala) is a missense variant that results in the substitution of proline with alanine. This variant is absent from population databases. Computational prediction algorithms are consistent with a deleterious effect. The currently available literature and clinical evidence are not sufficient to establish a definitive association between this variant and the reported condition. Therefore, this variant is classified as a variant of uncertain significance.

Illumina Laboratory Services, Illumina
Classification: Uncertain significance for Congenital contractural arachnodactyly. Last evaluated: 2018-01-13. Review status: criteria provided, single submitter. Criteria: ICSL Variant Classification Criteria 13 December 2019. Collection method: clinical testing. Allele origin: germline.

NM_001999.4(FBN2):c.4864C>G (p.Pro1622Ala)

Gene: FBN2 (fibrillin 2; minus strand). Cytogenetic location: 5q23.3.
Variant type: single nucleotide variant.
Coding change: c.4864C>G on transcript NM_001999.4 (MANE Select); coding-DNA position 4864, C replaced by G.
Protein change: p.Pro1622Ala; replaces proline 1622 with alanine.
Molecular consequence: missense variant.
Genome position (GRCh38, 1-based): chr5:128,312,649, G>C on the plus strand (C>G on the coding strand, the complement: FBN2 is on the minus strand). VCF-style: chr5-128312649-G-C. GRCh37 (hg19) VCF-style: chr5-127648341-G-C.
Other names: short protein forms P1622A.
Identifiers: ClinVar variation 907004 (VCV000907004.8), dbSNP rs750116860, ClinGen allele CA360746505.